The following is an entry in ClinVar:

NM_178857.6(RP1L1):c.2269G>A (p.Ala757Thr)

Gene: RP1L1 (RP1 like 1). Cytogenetic location: 8p23.1.
Variant type: single nucleotide variant.
Coding change: c.2269G>A on transcript NM_178857.6 (MANE Select); coding-DNA position 2269, G replaced by A.
Protein change: p.Ala757Thr; replaces alanine 757 with threonine.
Molecular consequence: missense variant.
Genome position (GRCh38, 1-based): chr8:10,611,829, C>T on the plus strand (G>A on the coding strand, the complement: RP1L1 is on the minus strand). VCF-style: chr8-10611829-C-T. GRCh37 (hg19) VCF-style: chr8-10469339-C-T.
Other names: short protein forms A757T.
Identifiers: ClinVar variation 2564028 (VCV002564028.4), dbSNP rs201666263, ClinGen allele CA4624895.
Genomic context (GRCh38, chr8:10,611,829, plus strand): 5'-GTATGGGGGCCGGCGAGCATGTCCTGGACCCCGCGTCCCCTGCCCACCCGGCAGAGGGAG[C>T]GTTGTGCGGGGAGACTCCAGAAACAAAATCCGAGTGGACTGCAGGGGTGACAGTGGCACT-3'
Protein context (NP_849188.4, residues 747-767): DFVSGVSPHN[Ala757Thr]PSAGWAGDAG

ClinVar aggregate classification (germline): Uncertain significance. Review status: criteria provided, multiple submitters, no conflicts (2 of 4 stars). 2 submissions from 2 submitters: Uncertain significance (2). Last evaluated 2026-03-13.

Conditions:
RP1L1-related disorder. Also called: RP1L1-related condition.
Inborn genetic diseases. Identifiers: MedGen C0950123, MeSH D030342.

Allele frequency attached by ClinVar (database versions not stated): ExAC 0.00008; ESP Exome Variant Server 0.00024.
gnomAD v4.1: 446 of 1,613,542 alleles (0.028%); highest among the groups gnomAD compares: Non-Finnish European, 0.037%; no homozygotes.

Submissions (2):

PreventionGenetics, part of Exact Sciences
Classification: Uncertain significance for RP1L1-related condition. Last evaluated: 2026-03-13. Review status: criteria provided, single submitter. Criteria: ACMG Guidelines, 2015. Collection method: clinical testing. Allele origin: germline.
Comment: The RP1L1 c.2269G>A variant is predicted to result in the amino acid substitution p.Ala757Thr. To our knowledge, this variant has not been reported in the literature. This variant is reported in 0.018% of alleles in individuals of European (Non-Finnish) descent in gnomAD. At this time, the clinical significance of this variant is uncertain due to the absence of conclusive functional and genetic evidence.

Ambry Genetics
Classification: Uncertain significance for Inborn genetic diseases. Last evaluated: 2025-08-10. Review status: criteria provided, single submitter. Criteria: Ambry Variant Classification Scheme 2023. Collection method: clinical testing. Allele origin: germline.